The following is an entry in ClinVar:

NM_000026.4(ADSL):c.541A>G (p.Met181Val)

Gene: ADSL (adenylosuccinate lyase; plus strand). Cytogenetic location: 22q13.1.
Variant type: single nucleotide variant.
Coding change: c.541A>G on transcript NM_000026.4 (MANE Select); coding-DNA position 541, A replaced by G.
Protein change: p.Met181Val; replaces methionine 181 with valine.
Molecular consequence: missense variant. On other transcripts: non-coding transcript variant (1).
Genome position (GRCh38, 1-based): chr22:40,358,922, A>G. VCF-style: chr22-40358922-A-G. GRCh37 (hg19) VCF-style: chr22-40754926-A-G.
Other names: c.541A>G, p.Met181Val (NM_001123378.3, NM_001363840.3); c.349A>G, p.Met117Val (NM_001317923.2); short protein forms M181V, M117V.
Identifiers: ClinVar variation 577681 (VCV000577681.8), dbSNP rs768542145, ClinGen allele CA10247754.

ClinVar aggregate classification (germline): Uncertain significance. Review status: criteria provided, multiple submitters, no conflicts (2 of 4 stars). 3 submissions from 3 submitters: Uncertain significance (3). Last evaluated 2024-05-20.

Conditions:
Inborn genetic diseases. Identifiers: MedGen C0950123, MeSH D030342.
Adenylosuccinate lyase deficiency (ADSLD). Also called: ADSL DEFICIENCY. Identifiers: Orphanet 46, MedGen C0268126, MONDO:0007068, OMIM 103050.

Allele frequency attached by ClinVar (database versions not stated): gnomAD exomes 0.00001 and 0.00002; ExAC 0.00002; TOPMed 0.00005.

Submissions (3):

GeneDx
Classification: Uncertain significance. Last evaluated: 2024-05-20. Review status: criteria provided, single submitter. Criteria: GeneDx Variant Classification Process June 2021. Collection method: clinical testing. Allele origin: germline. Affected: yes.
Comment: Not observed at significant frequency in large population cohorts (gnomAD); In silico analysis supports that this missense variant has a deleterious effect on protein structure/function; Has not been previously published as pathogenic or benign to our knowledge

Ambry Genetics
Classification: Uncertain significance for Inborn genetic diseases. Last evaluated: 2023-04-12. Review status: criteria provided, single submitter. Criteria: Ambry Variant Classification Scheme 2023. Collection method: clinical testing. Allele origin: germline.

Labcorp Genetics (formerly Invitae), Labcorp
Classification: Uncertain significance for Adenylosuccinate lyase deficiency. Last evaluated: 2022-07-05. Review status: criteria provided, single submitter. Criteria: Invitae Variant Classification Sherloc (09022015). Collection method: clinical testing. Allele origin: germline.
Comment: This sequence change replaces methionine, which is neutral and non-polar, with valine, which is neutral and non-polar, at codon 181 of the ADSL protein (p.Met181Val). This variant is present in population databases (rs768542145, gnomAD 0.009%). This variant has not been reported in the literature in individuals affected with ADSL-related conditions. ClinVar contains an entry for this variant (Variation ID: 577681). Algorithms developed to predict the effect of missense changes on protein structure and function output the following: SIFT: "Tolerated"; PolyPhen-2: "Benign"; Align-GVGD: "Class C0". The valine amino acid residue is found in multiple mammalian species, which suggests that this missense change does not adversely affect protein function. In summary, the available evidence is currently insufficient to determine the role of this variant in disease. Therefore, it has been classified as a Variant of Uncertain Significance.